The following is an entry in ClinVar:

NM_000264.5(PTCH1):c.946-1G>A

Gene: PTCH1 (patched 1; minus strand). Cytogenetic location: 9q22.32.
Variant type: single nucleotide variant.
Coding change: c.946-1G>A on transcript NM_000264.5 (MANE Select); the canonical splice acceptor site of the intron before coding-DNA position 946, G replaced by A.
Molecular consequence: splice acceptor variant.
Genome position (GRCh38, 1-based): chr9:95,480,091, C>T on the plus strand (G>A on the coding strand, the complement: PTCH1 is on the minus strand). VCF-style: chr9-95480091-C-T. GRCh37 (hg19) VCF-style: chr9-98242373-C-T.
Other names: c.943-1G>A (NM_001083603.3); c.748-1G>A (NM_001083602.3); c.946-1G>A (NM_001354918.2, NM_000264.3); c.493-1G>A (NM_001083605.3, NM_001083604.3, NM_001083606.3 and 1 more transcripts).
Identifiers: ClinVar variation 4733969 (VCV004733969.2).
Genomic context (GRCh38, chr9:95,480,091, plus strand): 5'-CATATACTTTCTGGATAAGCCATGACATCCACCATTCAAAACAAGGGCCATATCAAGAGG[C>T]TAAAATAAAAAGACAGCCACATAATTATGGGAATTAGTAGGCAGGTCACATGCCTTGTTA-3'

ClinVar aggregate classification (germline): Likely pathogenic. Review status: criteria provided, multiple submitters, no conflicts (2 of 4 stars). 2 submissions from 2 submitters: Likely pathogenic (2). Last evaluated 2026-06-24.

Conditions:
Hereditary cancer-predisposing syndrome. Also called: Hereditary Cancer Syndrome; Hereditary neoplastic syndrome; Neoplastic Syndromes, Hereditary; Tumor predisposition. Identifiers: Orphanet 140162, MedGen C0027672, MeSH D009386, MONDO:0015356.
Gorlin syndrome. Also called: Nevoid Basal Cell Carcinoma Syndrome; Basal cell nevus syndrome. Identifiers: Orphanet 377, MedGen C0004779, MONDO:0007187.

Submissions (2):

Ambry Genetics
Classification: Likely pathogenic for Hereditary cancer-predisposing syndrome. Last evaluated: 2026-06-24. Review status: criteria provided, single submitter. Criteria: Ambry Variant Classification Scheme 2023. Collection method: clinical testing. Allele origin: germline.
Comment: The c.946-1G>A intronic variant results from a G to A substitution one nucleotide upstream from coding exon 7 of the PTCH1 gene. This variant is considered to be rare based on population cohorts in the Genome Aggregation Database (gnomAD). This nucleotide position is highly conserved in available vertebrate species. In silico splice site analysis predicts that this alteration will weaken the native splice acceptor site. Alterations that disrupt the canonical splice site are expected to cause aberrant splicing, resulting in an abnormal protein or a transcript that is subject to nonsense-mediated mRNA decay. As such, this alteration is classified as likely pathogenic.

Labcorp Genetics (formerly Invitae), Labcorp
Classification: Likely pathogenic for Gorlin syndrome. Last evaluated: 2025-12-23. Review status: criteria provided, single submitter. Criteria: Invitae Variant Classification Sherloc (09022015). Collection method: clinical testing. Allele origin: germline.
Comment: This sequence change affects an acceptor splice site in intron 6 of the PTCH1 gene. It is expected to disrupt RNA splicing. Variants that disrupt the donor or acceptor splice site typically lead to a loss of protein function (PMID: 16199547), and loss-of-function variants in PTCH1 are known to be pathogenic (PMID: 16301862, 16419085). This variant is not present in population databases (gnomAD no frequency). Disruption of this splice site has been observed in individual(s) with clinical features of basal cell nevus syndrome (PMID: 29575684). Algorithms developed to predict the effect of sequence changes on RNA splicing suggest that this variant may disrupt the consensus splice site. In summary, the currently available evidence indicates that the variant is pathogenic, but additional data are needed to prove that conclusively. Therefore, this variant has been classified as Likely Pathogenic.

Literature cited by the submitters: PubMed 16199547 (cited by Labcorp Genetics (formerly Invitae), Labcorp); PubMed 16301862 (cited by Labcorp Genetics (formerly Invitae), Labcorp); PubMed 16419085 (cited by Labcorp Genetics (formerly Invitae), Labcorp); PubMed 29575684 (cited by Labcorp Genetics (formerly Invitae), Labcorp).